The following is an entry in ClinVar:

ClinVar aggregate classification (germline): Uncertain significance (1 of 4 stars; one submission).

Allele frequency attached by ClinVar (database versions not stated): ExAC 0.00001.

Submission:

Labcorp Genetics (formerly Invitae), Labcorp
Classification: Uncertain significance. Last evaluated: 2022-11-10. Review status: criteria provided, single submitter. Criteria: Invitae Variant Classification Sherloc (09022015). Collection method: clinical testing. Allele origin: germline.
Comment: This sequence change affects codon 1643 of the COL4A1 mRNA. It is a 'silent' change, meaning that it does not change the encoded amino acid sequence of the COL4A1 protein. It affects a nucleotide within the consensus splice site. This variant is present in population databases (rs752419791, gnomAD 0.01%). This variant has not been reported in the literature in individuals affected with COL4A1-related conditions. Algorithms developed to predict the effect of sequence changes on RNA splicing suggest that this variant is not likely to affect RNA splicing. In summary, the available evidence is currently insufficient to determine the role of this variant in disease. Therefore, it has been classified as a Variant of Uncertain Significance.

NM_001845.6(COL4A1):c.4929G>A (p.Lys1643=)

Gene: COL4A1 (collagen type IV alpha 1 chain; minus strand). Cytogenetic location: 13q34.
Variant type: single nucleotide variant.
Coding change: c.4929G>A on transcript NM_001845.6 (MANE Select); coding-DNA position 4929, G replaced by A.
Protein change: p.Lys1643=; no amino-acid change (lysine 1643 retained).
Molecular consequence: synonymous variant.
Genome position (GRCh38, 1-based): chr13:110,150,444, C>T on the plus strand (G>A on the coding strand, the complement: COL4A1 is on the minus strand). VCF-style: chr13-110150444-C-T. GRCh37 (hg19) VCF-style: chr13-110802791-C-T.
Identifiers: ClinVar variation 2035813 (VCV002035813.4), dbSNP rs752419791, ClinGen allele CA7046753.